The following is an entry in ClinVar:

ClinVar aggregate classification (germline): Conflicting classifications of pathogenicity. Review status: criteria provided, conflicting classifications (1 of 4 stars). 14 submissions from 14 submitters: Uncertain significance (2); Benign (1); Likely benign (10). 1 of the submissions does not count toward it. Last evaluated 2026-01-19.

Conditions:
PMS2-related disorder. Also called: PMS2-related condition.
Mismatch repair cancer syndrome 4. Identifiers: MedGen C5436817, MONDO:0030843, OMIM 619101.
Hereditary nonpolyposis colorectal neoplasms. Identifiers: MedGen C0009405, MeSH D003123.
Hereditary cancer-predisposing syndrome. Also called: Tumor predisposition; Neoplastic Syndromes, Hereditary; Hereditary neoplastic syndrome; Hereditary Cancer Syndrome. Identifiers: Orphanet 140162, MedGen C0027672, MeSH D009386, MONDO:0015356.
Lynch syndrome. Identifiers: Orphanet 144, MedGen C4552100, MONDO:0005835. Disease mechanism: loss of function.
Lynch syndrome 4 (LYNCH4). Also called: Colorectal cancer, hereditary nonpolyposis, type 4; Hereditary non-polyposis colorectal cancer, type 4. Identifiers: Orphanet 144, MedGen C1838333, MONDO:0013699, OMIM 614337. Disease mechanism: loss of function.

Allele frequency attached by ClinVar (database versions not stated): gnomAD exomes 0.00004 and 0.00007; ExAC 0.00009; 1000 Genomes Project 0.00020; 1000 Genomes Project 30x 0.00031; gnomAD 0.00036 and 0.00041; ESP Exome Variant Server 0.00038; TOPMed 0.00040.
gnomAD v4.1: 109 of 1,601,844 alleles (0.0068%); highest among the groups gnomAD compares: African/African-American, 0.13%; no homozygotes.

Submissions (14):

Labcorp Genetics (formerly Invitae), Labcorp
Classification: Benign for Hereditary nonpolyposis colorectal neoplasms. Last evaluated: 2026-01-19. Review status: criteria provided, single submitter. Criteria: Invitae Variant Classification Sherloc (09022015). Collection method: clinical testing. Allele origin: germline.

Women's Health and Genetics/Laboratory Corporation of America, LabCorp
Classification: Likely benign. Last evaluated: 2025-09-12. Review status: criteria provided, single submitter. Criteria: LabCorp Variant Classification Summary - May 2015. Collection method: clinical testing. Allele origin: germline.
Comment: Variant summary: PMS2 c.936G>A (p.Met312Ile) results in a conservative amino acid change in the encoded protein sequence. Algorithms developed to predict the effect of missense changes on protein structure and function are either unavailable or do not agree on the potential impact of this missense change. The variant allele was found at a frequency of 7.2e-05 in 251290 control chromosomes, predominantly at a frequency of 0.0011 within the African or African-American subpopulation in the gnomAD database. The observed variant frequency within African or African-American control individuals in the gnomAD database exceeds the estimated maximal expected allele frequency for disease-causing variants in PMS2. c.936G>A has been reported in the literature in individuals affected with pediatric cancer, breast cancer, and hereditary colorectal cancer without evidence for causality (examples- Zhang_2015, Tung_2014, Marabelli_2020). These report(s) do not provide unequivocal conclusions about association of the variant with Hereditary Nonpolyposis Colorectal Cancer. To our knowledge, no experimental evidence demonstrating an impact on protein function has been reported. The following publications have been ascertained in the context of this evaluation (PMID: 32620519, 25186627, 26580448, 32868316, 29581542, 35125405). ClinVar contains an entry for this variant (Variation ID: 142959). Based on the evidence outlined above, the variant was classified as likely benign.

PreventionGenetics, part of Exact Sciences
Classification: Likely benign for PMS2-related condition. Last evaluated: 2025-07-01. Review status: criteria provided, single submitter. Criteria: ACMG Guidelines, 2015. Collection method: clinical testing. Allele origin: germline.
Comment: This variant is classified as likely benign based on ACMG/AMP sequence variant interpretation guidelines (Richards et al. 2015 PMID: 25741868, with internal and published modifications).

All of Us Research Program, National Institutes of Health
Classification: Likely benign for Lynch syndrome. Last evaluated: 2024-09-23. Review status: criteria provided, single submitter. Criteria: ACMG Guidelines, 2015. Collection method: clinical testing. Allele origin: germline. Inheritance: Autosomal dominant inheritance. Observed: 33 variant alleles, 33 heterozygotes.
Comment: This study involves interpretation of variants in research participants for the purpose of population health screening. Participant phenotype was not available at the time of variant classification. Additional details can be found in publication PMID: 35346344, PMCID: PMC8962531

Quest Diagnostics Nichols Institute San Juan Capistrano
Classification: Likely benign. Last evaluated: 2023-04-11. Review status: criteria provided, single submitter. Criteria: Quest Diagnostics criteria. Collection method: clinical testing. Allele origin: unknown.

Myriad Genetics, Inc.
Classification: Likely benign for Lynch syndrome 4. Last evaluated: 2023-04-04. Review status: criteria provided, single submitter. Criteria: Myriad Autosomal Dominant, Autosomal Recessive and X-Linked Classification Criteria (2023). Collection method: clinical testing. Allele origin: unknown.
Comment: This variant is considered likely benign. This variant has been observed in trans with a known pathogenic variant in one or more individuals lacking clinical features consistent with gene-specific recessive disease.

Sema4
Classification: Uncertain significance for Hereditary cancer-predisposing syndrome. Last evaluated: 2022-02-10. Review status: criteria provided, single submitter. Criteria: Sema4 Curation Guidelines. Collection method: curation. Allele origin: germline.
Comment: The PMS2 c.936G>A (p.M312I) variant has been reported in at least three individuals with leukemia, breast, or kidney cancer (PMID: 25186627, 26580448, 29684080). It was observed in 25/24956 chromosomes, with no homozygotes, of the African/African American subpopulation in the large and broad cohorts of the Genome Aggregation Database (PMID: 32461654). The variant has been reported in ClinVar (Variation ID 142959). In silico tools suggest the impact of the variant on protein function is inconclusive, though these predictions have not been confirmed by functional studies. The evidence is insufficient to meet ACMG/AMP criteria for classifying the variant as benign or pathogenic. Thus, the clinical significance of this variant is currently uncertain.

GeneDx
Classification: Likely benign. Last evaluated: 2021-04-12. Review status: criteria provided, single submitter. Criteria: GeneDx Variant Classification Process June 2021. Collection method: clinical testing. Allele origin: germline. Affected: yes.
Comment: This variant is associated with the following publications: (PMID: 26580448, 25186627)

St. Jude Molecular Pathology, St. Jude Children's Research Hospital
Classification: Likely benign for Lynch syndrome. Last evaluated: 2020-12-02. Review status: criteria provided, single submitter. Criteria: St. Jude Assertion Criteria 2020. Collection method: clinical testing. Allele origin: germline.
Comment: The PMS2 c.936G>A (p.Met312Ile) missense change has a maximum subpopulation frequency of 0.1% in gnomAD v2.1.1 (BS1). This variant results in a conservative amino acid change at a poorly conserved residue, and six of seven in silico tools predict a benign effect of this variant on protein function (BP4). In summary, this variant meets criteria to be classified as likely benign based on the ACMG/AMP criteria: BS1, BP4.

Department of Pathology and Laboratory Medicine, Sinai Health System
Classification: Uncertain significance for Mismatch repair cancer syndrome 4. Last evaluated: 2020-01-31. Review status: criteria provided, single submitter. Criteria: ACMG Guidelines, 2015. Collection method: clinical testing. Allele origin: germline. Affected: yes.

Mendelics
Classification: Likely benign for Lynch syndrome 4. Last evaluated: 2019-05-28. Review status: criteria provided, single submitter. Criteria: Mendelics Assertion Criteria 2017. Collection method: clinical testing. Allele origin: unknown.

Ambry Genetics
Classification: Likely benign for Hereditary cancer-predisposing syndrome. Last evaluated: 2019-05-06. Review status: criteria provided, single submitter. Criteria: Ambry Variant Classification Scheme 2023. Collection method: clinical testing. Allele origin: germline.

Color Diagnostics, LLC DBA Color Health
Classification: Likely benign for Hereditary cancer-predisposing syndrome. Last evaluated: 2016-03-15. Review status: criteria provided, single submitter. Criteria: ACMG Guidelines, 2015. Collection method: clinical testing. Allele origin: germline.

Counsyl
Classification: Uncertain significance for Lynch syndrome 4. Last evaluated: 2017-03-17. Review status: no assertion criteria provided. Collection method: clinical testing. Allele origin: unknown. Not counted in ClinVar's aggregate classification.

Literature cited by the submitters: PubMed 25186627 (cited by 5 submitters); PubMed 26580448 (cited by 5 submitters); PubMed 32620519 (cited by Women's Health and Genetics/Laboratory Corporation of America, LabCorp); PubMed 32868316 (cited by Women's Health and Genetics/Laboratory Corporation of America, LabCorp); PubMed 29581542 (cited by Women's Health and Genetics/Laboratory Corporation of America, LabCorp); PubMed 35125405 (cited by Women's Health and Genetics/Laboratory Corporation of America, LabCorp); PubMed 29684080 (cited by Quest Diagnostics Nichols Institute San Juan Capistrano and Sema4).

NM_000535.7(PMS2):c.936G>A (p.Met312Ile)

Gene: PMS2 (PMS1 homolog 2, mismatch repair system component; minus strand). Cytogenetic location: 7p22.1.
Variant type: single nucleotide variant.
Coding change: c.936G>A on transcript NM_000535.7 (MANE Select); coding-DNA position 936, G replaced by A.
Protein change: p.Met312Ile; replaces methionine 312 with isoleucine.
Molecular consequence: missense variant. On other transcripts: initiator codon variant (2), non-coding transcript variant (1).
Genome position (GRCh38, 1-based): chr7:5,992,025, C>T on the plus strand (G>A on the coding strand, the complement: PMS2 is on the minus strand). VCF-style: chr7-5992025-C-T. GRCh37 (hg19) VCF-style: chr7-6031656-C-T.
Other names: p.M312I:ATG>ATA; c.531G>A, p.Met177Ile (NM_001322003.2, NM_001322004.2, NM_001322005.2 and 2 more transcripts); c.936G>A, p.Met312Ile (NM_001322006.2, NM_001322014.2); c.618G>A, p.Met206Ile (NM_001322007.2, NM_001322008.2); c.3G>A, p.Met1Ile (NM_001322011.2, NM_001322012.2); c.363G>A, p.Met121Ile (NM_001322013.2); c.627G>A, p.Met209Ile (NM_001322015.2); c.3G>A (NM_001322011.1); short protein forms M312I, M177I, M121I, M1I, M206I, M209I.
Identifiers: ClinVar variation 142959 (VCV000142959.43), dbSNP rs139194813, ClinGen allele CA013317.